The following is an entry in ClinVar:

NM_003743.5(NCOA1):c.921A>G (p.Pro307=)

Gene: NCOA1 (nuclear receptor coactivator 1; plus strand). Cytogenetic location: 2p23.3.
Variant type: single nucleotide variant.
Coding change: c.921A>G on transcript NM_003743.5 (MANE Select); coding-DNA position 921, A replaced by G.
Protein change: p.Pro307=; no amino-acid change (proline 307 retained).
Molecular consequence: synonymous variant.
Genome position (GRCh38, 1-based): chr2:24,697,770, A>G. VCF-style: chr2-24697770-A-G. GRCh37 (hg19) VCF-style: chr2-24920639-A-G.
Other names: c.921A>G, p.Pro307= (NM_001362950.1, NM_001362952.1, NM_001362954.1 and 3 more transcripts).
Identifiers: ClinVar variation 4978939 (VCV004978939.1).
Genomic context (GRCh38, chr2:24,697,770, plus strand): 5'-TTGGGAAGATTTAGTGAGGAAGTGCATTTATGCTTTTTTCCAACCTCAGGGCAGAGAACC[A>G]TCTTATGCCAGACAGCTGTTCCAAGAAGGTAAAATTTTCTCTCTCAATTATTTTCATTAA-3'
Protein context (NP_003734.3, residues 297-317): YAFFQPQGRE[Pro307=]SYARQLFQEV

ClinVar aggregate classification (germline): Likely benign (1 of 4 stars; one submission).

Conditions:
NCOA1-related disorder. Also called: NCOA1-related condition.

gnomAD v4.1: 3 of 1,613,702 alleles (0.00019%); highest among the groups gnomAD compares: African/African-American, 0.0013%; no homozygotes.

Submission:

PreventionGenetics, part of Exact Sciences
Classification: Likely benign for NCOA1-related condition. Last evaluated: 2025-09-03. Review status: criteria provided, single submitter. Criteria: ACMG Guidelines, 2015. Collection method: clinical testing. Allele origin: germline.
Comment: This variant is classified as likely benign based on ACMG/AMP sequence variant interpretation guidelines (Richards et al. 2015 PMID: 25741868, with internal and published modifications).